The following is an entry in ClinVar:

ClinVar aggregate classification (germline): Uncertain significance (1 of 4 stars; one submission).

Conditions:
Inborn genetic diseases. Identifiers: MedGen C0950123, MeSH D030342.

Submission:

Ambry Genetics
Classification: Uncertain significance for Inborn genetic diseases. Last evaluated: 2025-10-23. Review status: criteria provided, single submitter. Criteria: Ambry Variant Classification Scheme 2023. Collection method: clinical testing. Allele origin: germline.
Comment: The p.F84S variant (also known as c.251T>C), located in coding exon 2 of the ERCC6L2 gene, results from a T to C substitution at nucleotide position 251. The phenylalanine at codon 84 is replaced by serine, an amino acid with highly dissimilar properties. This amino acid position is conserved. In addition, this alteration is predicted to be deleterious by in silico analysis. Based on the available evidence, the clinical significance of this variant remains unclear.

NM_020207.7(ERCC6L2):c.251T>C (p.Phe84Ser)

Gene: ERCC6L2 (ERCC excision repair 6 like 2; plus strand). Cytogenetic location: 9q22.32.
Variant type: single nucleotide variant.
Coding change: c.251T>C on transcript NM_020207.7 (MANE Select); coding-DNA position 251, T replaced by C.
Protein change: p.Phe84Ser; replaces phenylalanine 84 with serine.
Molecular consequence: missense variant. On other transcripts: non-coding transcript variant (1).
Genome position (GRCh38, 1-based): chr9:95,881,073, T>C. VCF-style: chr9-95881073-T-C. GRCh37 (hg19) VCF-style: chr9-98643355-T-C.
Other names: c.251T>C, p.Phe84Ser (NM_001010895.4, NM_001375291.1, NM_001375292.1 and 2 more transcripts); short protein forms F84S.
Identifiers: ClinVar variation 4618740 (VCV004618740.1).
Genomic context (GRCh38, chr9:95,881,073, plus strand): 5'-TACCTCTTAAACAGCTTCAAGAAGTGAAATTTGTTAAAGATTGCCCTAGGAATCTTATAT[T>C]TGATGATGAAGATTTAGAAAAACCTTATTTCCCAAACCGAAAATTTCCATCATCTTCTGT-3'
Protein context (NP_064592.3, residues 74-94): FVKDCPRNLI[Phe84Ser]DDEDLEKPYF